The following is an entry in ClinVar:

ClinVar aggregate classification (germline): Pathogenic. Review status: reviewed by expert panel (3 of 4 stars). 8 submissions from 8 submitters: Pathogenic (1). 7 of the submissions do not count toward it. Last evaluated 2016-09-08.

Conditions:
Hereditary cancer-predisposing syndrome. Also called: Hereditary neoplastic syndrome; Neoplastic Syndromes, Hereditary; Hereditary Cancer Syndrome; Tumor predisposition. Identifiers: Orphanet 140162, MedGen C0027672, MeSH D009386, MONDO:0015356.
Hereditary breast ovarian cancer syndrome. Also called: Hereditary breast and ovarian cancer syndrome (HBOC); Breast and ovarian cancer; Hereditary breast and ovarian cancer syndrome; BRCA1- and BRCA2-Associated Hereditary Breast and Ovarian Cancer; Hereditary breast and/or ovarian cancer syndrome; Hereditary breast and ovarian cancer. Identifiers: Orphanet 145, MedGen C0677776, MeSH D061325, MONDO:0003582. Disease mechanism: loss of function.
Breast-ovarian cancer, familial, susceptibility to, 2 (BROVCA2). Also called: BRCA2 Hereditary Breast and Ovarian Cancer. Identifiers: Orphanet 145, MedGen C2675520, MONDO:0012933, OMIM 612555. Disease mechanism: loss of function.
Familial cancer of breast. Also called: BREAST CANCER, FAMILIAL; hereditary breast carcinoma; Hereditary breast cancer. Identifiers: Orphanet 227535, MedGen C0346153, MONDO:0016419, OMIM 114480. Disease mechanism: loss of function.

Submissions (8):

Evidence-based Network for the Interpretation of Germline Mutant Alleles (ENIGMA)
Classification: Pathogenic for Breast-ovarian cancer, familial, susceptibility to, 2. Last evaluated: 2016-09-08. Review status: reviewed by expert panel. Criteria: ENIGMA BRCA1/2 Classification Criteria (2015). Collection method: curation. Allele origin: germline.
Comment: Variant allele predicted to encode a truncated non-functional protein.

Women's Health and Genetics/Laboratory Corporation of America, LabCorp
Classification: Pathogenic for Hereditary breast ovarian cancer syndrome. Last evaluated: 2026-03-16. Review status: criteria provided, single submitter. Criteria: LabCorp Variant Classification Summary - May 2015. Collection method: clinical testing. Allele origin: germline. Not counted in ClinVar's aggregate classification.
Comment: Variant summary: BRCA2 c.9676delT (p.Tyr3226IlefsX23) results in a premature termination codon, predicted to cause a truncation of the encoded protein or absence of the protein due to nonsense mediated decay, which are commonly known mechanisms for disease. The variant was absent in 249770 control chromosomes. c.9676delT has been observed in individual(s) affected with Hereditary Breast And Ovarian Cancer Syndrome (example: Santonocito_2020). These data indicate that the variant may be associated with disease. To our knowledge, no experimental evidence demonstrating an impact on protein function has been reported. The following publication has been ascertained in the context of this evaluation (PMID: 32438681). ClinVar contains an entry for this variant (Variation ID: 52889). Based on the evidence outlined above, the variant was classified as pathogenic.

Ambry Genetics
Classification: Pathogenic for Hereditary cancer-predisposing syndrome. Last evaluated: 2025-08-21. Review status: criteria provided, single submitter. Criteria: Ambry Variant Classification Scheme 2023. Collection method: clinical testing. Allele origin: germline. Not counted in ClinVar's aggregate classification.
Comment: The c.9676delT pathogenic mutation, located in coding exon 26 of the BRCA2 gene, results from a deletion of one nucleotide at nucleotide position 9676, causing a translational frameshift with a predicted alternate stop codon (p.Y3226Ifs*23). This alteration occurs at the 3' terminus of the BRCA2 gene, is not expected to trigger nonsense-mediated mRNA decay, and impacts the last 193 of the protein. However, premature stop codons are typically deleterious in nature, and the impacted region is critical for protein function (Ambry internal data). This mutation has also been identified in breast and/or ovarian cancer probands from Italy (Santonocito C et al. Cancers (Basel) 2020 May;12(5); Rebbeck TR et al. Hum Mutat 2018 05;39(5):593-620). This variant is considered to be rare based on population cohorts in the Genome Aggregation Database (gnomAD). Based on the supporting evidence, this alteration is interpreted as a disease-causing mutation.

Labcorp Genetics (formerly Invitae), Labcorp
Classification: Pathogenic for Hereditary breast ovarian cancer syndrome. Last evaluated: 2025-06-15. Review status: criteria provided, single submitter. Criteria: Invitae Variant Classification Sherloc (09022015). Collection method: clinical testing. Allele origin: germline. Not counted in ClinVar's aggregate classification.
Comment: This sequence change creates a premature translational stop signal (p.Tyr3226Ilefs*23) in the BRCA2 gene. While this is not anticipated to result in nonsense mediated decay, it is expected to disrupt the last 193 amino acid(s) of the BRCA2 protein. This variant is not present in population databases (gnomAD no frequency). This premature translational stop signal has been observed in individual(s) with breast cancer (PMID: 27225819). ClinVar contains an entry for this variant (Variation ID: 52889). This variant disrupts a region of the BRCA2 protein in which other variant(s) (p.Tyr3308*) have been determined to be pathogenic (PMID: 17026620, 18593900, 18607349, 22711857). This suggests that this is a clinically significant region of the protein, and that variants that disrupt it are likely to be disease-causing. For these reasons, this variant has been classified as Pathogenic.

GeneDx
Classification: Pathogenic. Last evaluated: 2025-06-09. Review status: criteria provided, single submitter. Criteria: GeneDx Variant Classification Process June 2021. Collection method: clinical testing. Allele origin: germline. Affected: yes. Not counted in ClinVar's aggregate classification.
Comment: Frameshift variant predicted to result in protein truncation in a gene for which loss of function is a known mechanism of disease; Not observed at significant frequency in large population cohorts (gnomAD); Truncating variants in this gene are considered pathogenic by a well-established clinical consortium and/or database; Also known as 9904del; Reported in individuals with breast cancer and pancreatic cancer in published literature (PMID: 27225819, 32438681, 34572941, 38386807, 38781545); This variant is associated with the following publications: (PMID: 37216690, 27225819, 10733923, 9126738, 31209999, 34572941, 32438681, 38781545, 38386807)

Baylor Genetics
Classification: Pathogenic for Familial cancer of breast. Last evaluated: 2022-10-23. Review status: criteria provided, single submitter. Criteria: ACMG Guidelines, 2015. Collection method: clinical testing. Allele origin: unknown. Not counted in ClinVar's aggregate classification.

Consortium of Investigators of Modifiers of BRCA1/2 (CIMBA), c/o University of Cambridge
Classification: Pathogenic for Breast-ovarian cancer, familial, susceptibility to, 2. Last evaluated: 2015-10-02. Review status: criteria provided, single submitter. Criteria: CIMBA Mutation Classification guidelines May 2016. Collection method: clinical testing. Allele origin: germline. Not counted in ClinVar's aggregate classification.

Breast Cancer Information Core (BIC) (BRCA2)
Classification: Pathogenic for Breast-ovarian cancer, familial 2. Last evaluated: 2003-12-23. Review status: no assertion criteria provided. Collection method: clinical testing. Allele origin: germline. Affected: yes. Observed: 2 variant alleles. Not counted in ClinVar's aggregate classification.

Literature cited by the submitters: PubMed 32438681 (cited by Women's Health and Genetics/Laboratory Corporation of America, LabCorp); PubMed 27225819 (cited by Labcorp Genetics (formerly Invitae), Labcorp); PubMed 17026620 (cited by Labcorp Genetics (formerly Invitae), Labcorp); PubMed 18593900 (cited by Labcorp Genetics (formerly Invitae), Labcorp); PubMed 18607349 (cited by Labcorp Genetics (formerly Invitae), Labcorp); PubMed 22711857 (cited by Labcorp Genetics (formerly Invitae), Labcorp).

NM_000059.4(BRCA2):c.9676del (p.Tyr3226fs)

Gene: BRCA2 (BRCA2 DNA repair associated; plus strand). Cytogenetic location: 13q13.1.
Variant type: Deletion.
Coding change: c.9676del on transcript NM_000059.4 (MANE Select); coding-DNA position 9676, one base deleted (T; older notation c.9676delT).
Protein change: p.Tyr3226fs; shifts the reading frame from tyrosine 3226.
Molecular consequence: frameshift variant.
Genome position (GRCh38, 1-based): chr13:32,398,189, T deleted; the last of 2 consecutive T bases (chr13:32,398,188-32,398,189); deleting either gives the same sequence. VCF-style (leftmost placement, unchanged base first): chr13-32398187-AT-A. GRCh37 (hg19) VCF-style: chr13-32972324-AT-A.
Other names: 9904delT; c.9676delT (NM_000059.3, NM_000059.4).
Identifiers: ClinVar variation 52889 (VCV000052889.19), dbSNP rs80359774, ClinGen allele CA026265.